The following is an entry in ClinVar:

ClinVar aggregate classification (germline): Likely pathogenic (1 of 4 stars; one submission).

Conditions:
Hereditary spastic paraplegia 56. Also called: Spastic Paraplegia 56; SPASTIC PARAPLEGIA 56, AUTOSOMAL RECESSIVE, WITH OR WITHOUT PSEUDOXANTHOMA ELASTICUM; Spastic paraplegia 56, autosomal recessive. Identifiers: Orphanet 320411, MedGen C3539507, MONDO:0014015, OMIM 615030.

Submission:

Center of Genomic medicine, Geneva, University Hospital of Geneva
Classification: Likely pathogenic for Hereditary spastic paraplegia 56. Last evaluated: 2017-06-07. Review status: criteria provided, single submitter. Criteria: ACMG Guidelines, 2015. Collection method: clinical testing. Allele origin: paternal. Affected: yes.

NM_183075.3(CYP2U1):c.452C>T (p.Pro151Leu)

Genes: CYP2U1 (cytochrome P450 family 2 subfamily U member 1; plus strand), CYP2U1-AS1 (CYP2U1 and SGMS2 antisense RNA 1; minus strand), LOC129992929 (ATAC-STARR-seq lymphoblastoid active region 21791; plus strand). Cytogenetic location: 4q25.
Variant type: single nucleotide variant.
Coding change: c.452C>T on transcript NM_183075.3 (MANE Select); coding-DNA position 452, C replaced by T.
Protein change: p.Pro151Leu; replaces proline 151 with leucine.
Molecular consequence: missense variant. On other transcripts: non-coding transcript variant (1).
Genome position (GRCh38, 1-based): chr4:107,932,095, C>T. VCF-style: chr4-107932095-C-T. GRCh37 (hg19) VCF-style: chr4-108853251-C-T.
Other names: short protein forms P151L.
Identifiers: ClinVar variation 433182 (VCV000433182.2), dbSNP rs761575210, ClinGen allele CA357833324.